The following is an entry in ClinVar:

ClinVar aggregate classification (germline): Uncertain significance (1 of 4 stars; one submission).

Conditions:
Congenital hyperammonemia, type I. Also called: Carbamoyl phosphate synthetase I deficiency disease; Carbamoyl-phosphate synthase I deficiency; Carbamoyl phosphate synthetase 1 deficiency; Hyperammonemia due to carbamoyl phosphate synthetase 1 deficiency; CPS 1 deficiency; Carbamyl phosphate synthetase (CPS) deficiency. Identifiers: Orphanet 147, MedGen C4082171, MONDO:0009376, OMIM 237300.

Allele frequency attached by ClinVar (database versions not stated): gnomAD exomes below 0.00001 and 0.00001; TOPMed below 0.00001.
gnomAD v4.1: 3 of 1,613,792 alleles (0.00019%); highest among the groups gnomAD compares: East Asian, 0.0022%; no homozygotes.

Submission:

Labcorp Genetics (formerly Invitae), Labcorp
Classification: Uncertain significance for Congenital hyperammonemia, type I. Last evaluated: 2022-07-06. Review status: criteria provided, single submitter. Criteria: Invitae Variant Classification Sherloc (09022015). Collection method: clinical testing. Allele origin: germline.
Comment: This sequence change replaces methionine, which is neutral and non-polar, with valine, which is neutral and non-polar, at codon 96 of the CPS1 protein (p.Met96Val). This variant is present in population databases (no rsID available, gnomAD 0.003%). This variant has not been reported in the literature in individuals affected with CPS1-related conditions. ClinVar contains an entry for this variant (Variation ID: 1442507). Algorithms developed to predict the effect of missense changes on protein structure and function (SIFT, PolyPhen-2, Align-GVGD) all suggest that this variant is likely to be tolerated. In summary, the available evidence is currently insufficient to determine the role of this variant in disease. Therefore, it has been classified as a Variant of Uncertain Significance.

NM_001875.5(CPS1):c.286A>G (p.Met96Val)

Gene: CPS1 (carbamoyl-phosphate synthase 1; plus strand). Cytogenetic location: 2q34.
Variant type: single nucleotide variant.
Coding change: c.286A>G on transcript NM_001875.5 (MANE Select); coding-DNA position 286, A replaced by G.
Protein change: p.Met96Val; replaces methionine 96 with valine.
Molecular consequence: missense variant. On other transcripts: non-coding transcript variant (1).
Genome position (GRCh38, 1-based): chr2:210,576,395, A>G. VCF-style: chr2-210576395-A-G. GRCh37 (hg19) VCF-style: chr2-211441119-A-G.
Other names: c.286A>G, p.Met96Val (NM_001122633.3, NM_001369257.1); c.319A>G, p.Met107Val (NM_001369256.1); short protein forms M96V, M107V.
Identifiers: ClinVar variation 1442507 (VCV001442507.5), dbSNP rs1432483864, ClinGen allele CA350423028.